The following is an entry in ClinVar:

ClinVar aggregate classification (germline): Uncertain significance. Review status: criteria provided, multiple submitters, no conflicts (2 of 4 stars). 3 submissions from 3 submitters: Uncertain significance (3). Last evaluated 2025-03-31.

Conditions:
Charcot-Marie-Tooth disease type 2. Also called: Charcot-Marie-Tooth type 2. Identifiers: Orphanet 64746, MedGen C0270914, MONDO:0018993.

Allele frequency attached by ClinVar (database versions not stated): gnomAD 0.00001 and 0.00002; TOPMed 0.00002; ExAC 0.00003; gnomAD exomes 0.00003.
gnomAD v4.1: 49 of 1,612,250 alleles (0.003%); highest among the groups gnomAD compares: Admixed American, 0.0083%; no homozygotes.

Submissions (3):

Labcorp Genetics (formerly Invitae), Labcorp
Classification: Uncertain significance for Charcot-Marie-Tooth disease type 2. Last evaluated: 2025-03-31. Review status: criteria provided, single submitter. Criteria: Invitae Variant Classification Sherloc (09022015). Collection method: clinical testing. Allele origin: germline.
Comment: This sequence change replaces aspartic acid, which is acidic and polar, with tyrosine, which is neutral and polar, at codon 135 of the GARS protein (p.Asp135Tyr). This variant is present in population databases (rs778553007, gnomAD 0.009%). This variant has not been reported in the literature in individuals affected with GARS-related conditions. ClinVar contains an entry for this variant (Variation ID: 1057781). Invitae Evidence Modeling of protein sequence and biophysical properties (such as structural, functional, and spatial information, amino acid conservation, physicochemical variation, residue mobility, and thermodynamic stability) indicates that this missense variant is not expected to disrupt GARS protein function with a negative predictive value of 80%. In summary, the available evidence is currently insufficient to determine the role of this variant in disease. Therefore, it has been classified as a Variant of Uncertain Significance.

Women's Health and Genetics/Laboratory Corporation of America, LabCorp
Classification: Uncertain significance. Last evaluated: 2024-09-26. Review status: criteria provided, single submitter. Criteria: LabCorp Variant Classification Summary - May 2015. Collection method: clinical testing. Allele origin: germline.
Comment: Variant summary: GARS1 c.403G>T (p.Asp135Tyr) results in a non-conservative amino acid change located in the Glycyl-tRNA synthetase-like core domai (IPR033731) of the encoded protein sequence. Three of five in-silico tools predict a benign effect of the variant on protein function. The variant allele was found at a frequency of 3e-05 in 1612250 control chromosomes. This frequency is not significantly higher than estimated for a pathogenic variant in GARS1 causing Charcot-Marie-Tooth disease, allowing no conclusion about variant significance. To our knowledge, no occurrence of c.403G>T in individuals affected with &phenotype& and no experimental evidence demonstrating its impact on protein function have been reported. ClinVar contains an entry for this variant (Variation ID: 1057781). Based on the evidence outlined above, the variant was classified as uncertain significance.

Blueprint Genetics
Classification: Uncertain significance. Last evaluated: 2023-10-23. Review status: criteria provided, single submitter. Criteria: ACMG Guidelines, 2015. Collection method: clinical testing. Allele origin: germline.

NM_002047.4(GARS1):c.403G>T (p.Asp135Tyr)

Gene: GARS1 (glycyl-tRNA synthetase 1; plus strand). Cytogenetic location: 7p14.3.
Variant type: single nucleotide variant.
Coding change: c.403G>T on transcript NM_002047.4 (MANE Select); coding-DNA position 403, G replaced by T.
Protein change: p.Asp135Tyr; replaces aspartic acid 135 with tyrosine.
Molecular consequence: missense variant.
Genome position (GRCh38, 1-based): chr7:30,600,025, G>T. VCF-style: chr7-30600025-G-T. GRCh37 (hg19) VCF-style: chr7-30639641-G-T.
Other names: c.241G>T, p.Asp81Tyr (NM_001316772.1); short protein forms D135Y, D81Y.
Identifiers: ClinVar variation 1057781 (VCV001057781.11), dbSNP rs778553007, ClinGen allele CA4205689.